The following is an entry in ClinVar:

NM_001110556.2(FLNA):c.3058G>C (p.Val1020Leu)

Gene: FLNA (filamin A; minus strand). Cytogenetic location: Xq28.
Variant type: single nucleotide variant.
Coding change: c.3058G>C on transcript NM_001110556.2 (MANE Select); coding-DNA position 3058, G replaced by C.
Protein change: p.Val1020Leu; replaces valine 1020 with leucine.
Molecular consequence: missense variant.
Genome position (GRCh38, 1-based): chrX:154,361,457, C>G on the plus strand (G>C on the coding strand, the complement: FLNA is on the minus strand). VCF-style: chrX-154361457-C-G. GRCh37 (hg19) VCF-style: chrX-153589825-C-G.
Other names: c.3058G>C, p.Val1020Leu (NM_001456.4); short protein forms V1020L.
Identifiers: ClinVar variation 4789590 (VCV004789590.1).

ClinVar aggregate classification (germline): Uncertain significance (1 of 4 stars; one submission).

Conditions:
Heterotopia, periventricular, X-linked dominant (PVNH1). Also called: PERIVENTRICULAR NODULAR HETEROTOPIA 4; HETEROTOPIA, PERIVENTRICULAR, 1; PERIVENTRICULAR NODULAR HETEROTOPIA 1; X-linked periventricular heterotopia. Identifiers: Orphanet 2149, Orphanet 82004, MedGen C1848213, MONDO:0010233, OMIM 300049.
Oto-palato-digital syndrome, type II (OPD2). Also called: Otopalatodigital Syndrome, Type II; FACIOPALATOOSSEOUS SYNDROME; OPD II SYNDROME; Otopalatodigital Syndrome Type 2 (FLNA-OPD2). Identifiers: Orphanet 669, Orphanet 90652, MedGen C1844696, MONDO:0010571, OMIM 304120.
Melnick-Needles syndrome (MNS). Also called: MELNICK-NEEDLES OSTEODYSPLASTY; OSTEODYSPLASTY OF MELNICK AND NEEDLES; Melnick-Needles Syndrome (FLNA-MNS). Identifiers: Orphanet 2484, MedGen C0025237, MONDO:0010650, OMIM 309350.
Frontometaphyseal dysplasia (FMD1). Identifiers: Orphanet 1826, MedGen C0265293, MONDO:0015942.

Submission:

Labcorp Genetics (formerly Invitae), Labcorp
Classification: Uncertain significance for Oto-palato-digital syndrome, type II; Heterotopia, periventricular, X-linked dominant; Frontometaphyseal dysplasia; Melnick-Needles syndrome. Last evaluated: 2025-08-30. Review status: criteria provided, single submitter. Criteria: Invitae Variant Classification Sherloc (09022015). Collection method: clinical testing. Allele origin: germline.
Comment: This sequence change replaces valine, which is neutral and non-polar, with leucine, which is neutral and non-polar, at codon 1020 of the FLNA protein (p.Val1020Leu). This variant is not present in population databases (gnomAD no frequency). This variant has not been reported in the literature in individuals affected with FLNA-related conditions. Invitae Evidence Modeling of protein sequence and biophysical properties (such as structural, functional, and spatial information, amino acid conservation, physicochemical variation, residue mobility, and thermodynamic stability) indicates that this missense variant is not expected to disrupt FLNA protein function with a negative predictive value of 95%. In summary, the available evidence is currently insufficient to determine the role of this variant in disease. Therefore, it has been classified as a Variant of Uncertain Significance.